The following is an entry in ClinVar:

ClinVar aggregate classification (germline): Likely benign. Review status: criteria provided, multiple submitters, no conflicts (2 of 4 stars). 2 submissions from 2 submitters: Likely benign (2). Last evaluated 2023-09-12.

Conditions:
Developmental and epileptic encephalopathy 94 (DEE94). Also called: Epileptic encephalopathy, childhood-onset; CHD2-Related Neurodevelopmental Disorders. Identifiers: Orphanet 1942, Orphanet 2382, MedGen C3809278, MONDO:0014150, OMIM 615369.

Allele frequency attached by ClinVar (database versions not stated): gnomAD 0.00001; TOPMed 0.00001.
gnomAD v4.1: 5 of 1,571,734 alleles (0.00032%); highest among the groups gnomAD compares: South Asian, 0.0034%; no homozygotes.

Submissions (2):

Labcorp Genetics (formerly Invitae), Labcorp
Classification: Likely benign for Developmental and epileptic encephalopathy 94. Last evaluated: 2023-09-12. Review status: criteria provided, single submitter. Criteria: Invitae Variant Classification Sherloc (09022015). Collection method: clinical testing. Allele origin: germline.

GeneDx
Classification: Likely benign. Last evaluated: 2017-06-14. Review status: criteria provided, single submitter. Criteria: GeneDx Variant Classification (06012015). Collection method: clinical testing. Allele origin: germline. Affected: yes.
Comment: This variant is considered likely benign or benign based on one or more of the following criteria: it is a conservative change, it occurs at a poorly conserved position in the protein, it is predicted to be benign by multiple in silico algorithms, and/or has population frequency not consistent with disease.

NM_001271.4(CHD2):c.295-17G>A

Gene: CHD2 (chromodomain helicase DNA binding protein 2; plus strand). Cytogenetic location: 15q26.1.
Variant type: single nucleotide variant.
Coding change: c.295-17G>A on transcript NM_001271.4 (MANE Select); 17 bases into the intron before coding-DNA position 295, G replaced by A.
Molecular consequence: intron variant.
Genome position (GRCh38, 1-based): chr15:92,927,227, G>A. VCF-style: chr15-92927227-G-A. GRCh37 (hg19) VCF-style: chr15-93470457-G-A.
Other names: c.295-17G>A (NM_001042572.3).
Identifiers: ClinVar variation 517989 (VCV000517989.4), dbSNP rs757490818, ClinGen allele CA619615114.